The following is an entry in ClinVar:

NM_020937.4(FANCM):c.860A>G (p.Glu287Gly)

Gene: FANCM (FA complementation group M; plus strand). Cytogenetic location: 14q21.2.
Variant type: single nucleotide variant.
Coding change: c.860A>G on transcript NM_020937.4 (MANE Select); coding-DNA position 860, A replaced by G.
Protein change: p.Glu287Gly; replaces glutamic acid 287 with glycine.
Molecular consequence: missense variant.
Genome position (GRCh38, 1-based): chr14:45,148,937, A>G. VCF-style: chr14-45148937-A-G. GRCh37 (hg19) VCF-style: chr14-45618140-A-G.
Other names: c.782A>G, p.Glu261Gly (NM_001308133.2); c.860A>G, p.Glu287Gly (NM_001308134.2); short protein forms E261G, E287G.
Identifiers: ClinVar variation 3342832 (VCV003342832.2).

ClinVar aggregate classification (germline): Uncertain significance. Review status: criteria provided, multiple submitters, no conflicts (2 of 4 stars). 2 submissions from 2 submitters: Uncertain significance (2). Last evaluated 2024-12-24.

Conditions:
Inborn genetic diseases. Identifiers: MedGen C0950123, MeSH D030342.

gnomAD v4.1: 3 of 1,613,890 alleles (0.00019%); highest among the groups gnomAD compares: African/African-American, 0.004%; no homozygotes.

Submissions (2):

Ambry Genetics
Classification: Uncertain significance for Inborn genetic diseases. Last evaluated: 2024-12-24. Review status: criteria provided, single submitter. Criteria: Ambry Variant Classification Scheme 2023. Collection method: clinical testing. Allele origin: germline.
Comment: The p.E287G variant (also known as c.860A>G), located in coding exon 4 of the FANCM gene, results from an A to G substitution at nucleotide position 860. The glutamic acid at codon 287 is replaced by glycine, an amino acid with similar properties. This amino acid position is conserved. In addition, this alteration is predicted to be tolerated by in silico analysis. Based on the available evidence, the clinical significance of this variant remains unclear.

GeneDx
Classification: Uncertain significance. Last evaluated: 2023-07-31. Review status: criteria provided, single submitter. Criteria: GeneDx Variant Classification Process June 2021. Collection method: clinical testing. Allele origin: germline. Affected: yes.
Comment: Not observed at significant frequency in large population cohorts (gnomAD); In silico analysis supports that this missense variant has a deleterious effect on protein structure/function; Has not been previously published as pathogenic or benign to our knowledge